The following is an entry in ClinVar:

ClinVar aggregate classification (germline): Pathogenic (1 of 4 stars; one submission).

Conditions:
Walker-Warburg congenital muscular dystrophy. Also called: Muscular dystrophy-dystroglycanopathy, type A; Walker-Warburg syndrome. Identifiers: Orphanet 899, MedGen C0265221, MONDO:0000171.

Submission:

Labcorp Genetics (formerly Invitae), Labcorp
Classification: Pathogenic for Walker-Warburg congenital muscular dystrophy. Last evaluated: 2021-09-09. Review status: criteria provided, single submitter. Criteria: Invitae Variant Classification Sherloc (09022015). Collection method: clinical testing. Allele origin: germline.
Comment: This sequence change creates a premature translational stop signal (p.Tyr314*) in the FKTN gene. It is expected to result in an absent or disrupted protein product. Loss-of-function variants in FKTN are known to be pathogenic (PMID: 17044012, 17878207, 18752264). This variant is not present in population databases (ExAC no frequency). This variant has not been reported in the literature in individuals affected with FKTN-related conditions. Algorithms developed to predict the effect of sequence changes on RNA splicing suggest that this variant may create or strengthen a splice site. For these reasons, this variant has been classified as Pathogenic.

Literature cited by the submitters: PubMed 17044012; PubMed 17878207; PubMed 18752264.

NM_001079802.2(FKTN):c.942T>G (p.Tyr314Ter)

Gene: FKTN (fukutin; plus strand). Cytogenetic location: 9q31.2.
Variant type: single nucleotide variant.
Coding change: c.942T>G on transcript NM_001079802.2 (MANE Select); coding-DNA position 942, T replaced by G.
Protein change: p.Tyr314Ter; replaces tyrosine 314 with a stop codon.
Molecular consequence: nonsense. On other transcripts: non-coding transcript variant (1).
Genome position (GRCh38, 1-based): chr9:105,617,990, T>G. VCF-style: chr9-105617990-T-G. GRCh37 (hg19) VCF-style: chr9-108380271-T-G.
Other names: c.942T>G, p.Tyr314Ter (NM_001198963.2, NM_001351496.2, NM_001351498.2 and 1 more transcripts); c.873T>G, p.Tyr291Ter (NM_001351497.2); c.546T>G, p.Tyr182Ter (NM_001351499.2, NM_001351500.2, NM_001351501.2 and 1 more transcripts); short protein forms Y291*, Y314*, Y182*.
Identifiers: ClinVar variation 1451446 (VCV001451446.6), dbSNP rs970907026, ClinGen allele CA374377447.
Genomic context (GRCh38, chr9:105,617,990, plus strand): 5'-TTGTTAAAAAAATTTAATCTTCTTTTTAGGATGGTATCGACAATGCAACATTATTCCTTA[T>G]AGCAAAGATGTTGACCTAGGAATTTTTATACAAGATTACAAATCTGATATTATTTTAGCA-3'